The following is an entry in ClinVar:

ClinVar aggregate classification (germline): Uncertain significance (1 of 4 stars; one submission).

Submission:

Greenwood Genetic Center Diagnostic Laboratories, Greenwood Genetic Center
Classification: Uncertain significance. Last evaluated: 2024-12-19. Review status: criteria provided, single submitter. Criteria: ACMG Guidelines, 2015. Collection method: clinical testing. Allele origin: germline. Affected: yes.
Comment: PM2

NM_005654.6(NR2F1):c.*649T>C

Gene: NR2F1 (nuclear receptor subfamily 2 group F member 1; plus strand). Cytogenetic location: 5q15.
Variant type: single nucleotide variant.
Coding change: c.*649T>C on transcript NM_005654.6 (MANE Select); 649 bases downstream of the stop codon, T replaced by C.
Molecular consequence: 3 prime UTR variant.
Genome position (GRCh38, 1-based): chr5:93,594,491, T>C. VCF-style: chr5-93594491-T-C. GRCh37 (hg19) VCF-style: chr5-92930197-T-C.
Other names: c.*649T>C (NM_001410754.1).
Identifiers: ClinVar variation 3765837 (VCV003765837.1).